The following is an entry in ClinVar:

NM_004415.4(DSP):c.1954A>T (p.Asn652Tyr)

Gene: DSP (desmoplakin; plus strand). Cytogenetic location: 6p24.3.
Variant type: single nucleotide variant.
Coding change: c.1954A>T on transcript NM_004415.4 (MANE Select); coding-DNA position 1954, A replaced by T.
Protein change: p.Asn652Tyr; replaces asparagine 652 with tyrosine.
Molecular consequence: missense variant.
Genome position (GRCh38, 1-based): chr6:7,571,892, A>T. VCF-style: chr6-7571892-A-T. GRCh37 (hg19) VCF-style: chr6-7572125-A-T.
Other names: c.1954A>T, p.Asn652Tyr (NM_001008844.3, NM_001319034.2); short protein forms N652Y.
Identifiers: ClinVar variation 1783277 (VCV001783277.4), dbSNP rs2533896382, ClinGen allele CA362680178.

ClinVar aggregate classification (germline): Uncertain significance. Review status: criteria provided, multiple submitters, no conflicts (2 of 4 stars). 2 submissions from 2 submitters: Uncertain significance (2). Last evaluated 2025-05-01.

Conditions:
Cardiovascular phenotype. Identifiers: MedGen CN230736.
Arrhythmogenic cardiomyopathy with wooly hair and keratoderma. Also called: PALMOPLANTAR KERATODERMA WITH LEFT VENTRICULAR CARDIOMYOPATHY AND WOOLLY HAIR; Carvajal syndrome; Dilated cardiomyopathy with woolly hair and keratoderma; Arrhythmogenic cardiomyopathy with woolly hair and keratoderma. Identifiers: Orphanet 65282, MedGen C1854063, MONDO:0011581, OMIM 605676.
Arrhythmogenic right ventricular dysplasia 8 (ARVD8). Also called: Arrhythmogenic Right Ventricular Dysplasia/Cardiomyopathy 8; ARRHYTHMOGENIC RIGHT VENTRICULAR DYSPLASIA, FAMILIAL, 8; ARRHYTHMOGENIC RIGHT VENTRICULAR CARDIOMYOPATHY 8. Identifiers: MedGen C1843896, MONDO:0011831, OMIM 607450.

Submissions (2):

Labcorp Genetics (formerly Invitae), Labcorp
Classification: Uncertain significance for Arrhythmogenic cardiomyopathy with wooly hair and keratoderma; Arrhythmogenic right ventricular dysplasia 8. Last evaluated: 2025-05-01. Review status: criteria provided, single submitter. Criteria: Invitae Variant Classification Sherloc (09022015). Collection method: clinical testing. Allele origin: germline.
Comment: This sequence change replaces asparagine, which is neutral and polar, with tyrosine, which is neutral and polar, at codon 652 of the DSP protein (p.Asn652Tyr). This variant is not present in population databases (gnomAD no frequency). This variant has not been reported in the literature in individuals affected with DSP-related conditions. ClinVar contains an entry for this variant (Variation ID: 1783277). An algorithm developed to predict the effect of missense changes on protein structure and function (PolyPhen-2) suggests that this variant is likely to be tolerated. In summary, the available evidence is currently insufficient to determine the role of this variant in disease. Therefore, it has been classified as a Variant of Uncertain Significance.

Ambry Genetics
Classification: Uncertain significance for Cardiovascular phenotype. Last evaluated: 2020-09-22. Review status: criteria provided, single submitter. Criteria: Ambry Variant Classification Scheme 2023. Collection method: clinical testing. Allele origin: germline.
Comment: The p.N652Y variant (also known as c.1954A>T), located in coding exon 15 of the DSP gene, results from an A to T substitution at nucleotide position 1954. The asparagine at codon 652 is replaced by tyrosine, an amino acid with dissimilar properties. This amino acid position is well conserved in available vertebrate species. In addition, this alteration is predicted to be tolerated by in silico analysis. Since supporting evidence is limited at this time, the clinical significance of this alteration remains unclear.